The following is an entry in ClinVar:

NM_014484.5(MOCS3):c.787A>C (p.Ile263Leu)

Gene: MOCS3 (molybdenum cofactor synthesis 3; plus strand). Cytogenetic location: 20q13.13.
Variant type: single nucleotide variant.
Coding change: c.787A>C on transcript NM_014484.5 (MANE Select); coding-DNA position 787, A replaced by C.
Protein change: p.Ile263Leu; replaces isoleucine 263 with leucine.
Molecular consequence: missense variant.
Genome position (GRCh38, 1-based): chr20:50,959,629, A>C. VCF-style: chr20-50959629-A-C. GRCh37 (hg19) VCF-style: chr20-49576166-A-C.
Other names: short protein forms I263L.
Identifiers: ClinVar variation 1490745 (VCV001490745.8), dbSNP rs2123160120, ClinGen allele CA408984455.

ClinVar aggregate classification (germline): Uncertain significance (1 of 4 stars; one submission).

Submission:

Labcorp Genetics (formerly Invitae), Labcorp
Classification: Uncertain significance. Last evaluated: 2022-02-08. Review status: criteria provided, single submitter. Criteria: Invitae Variant Classification Sherloc (09022015). Collection method: clinical testing. Allele origin: germline.
Comment: In summary, the available evidence is currently insufficient to determine the role of this variant in disease. Therefore, it has been classified as a Variant of Uncertain Significance. Algorithms developed to predict the effect of missense changes on protein structure and function (SIFT, PolyPhen-2, Align-GVGD) all suggest that this variant is likely to be tolerated. This variant has not been reported in the literature in individuals affected with MOCS3-related conditions. This variant is not present in population databases (gnomAD no frequency). This sequence change replaces isoleucine, which is neutral and non-polar, with leucine, which is neutral and non-polar, at codon 263 of the MOCS3 protein (p.Ile263Leu).